The following is an entry in ClinVar:

ClinVar aggregate classification (germline): Uncertain significance. Review status: criteria provided, multiple submitters, no conflicts (2 of 4 stars). 2 submissions from 2 submitters: Uncertain significance (2). Last evaluated 2024-09-02.

Conditions:
Arrhythmogenic right ventricular cardiomyopathy (ARVD). Also called: Arrhythmogenic right ventricular dysplasia; Cardiomyopathy, ARVC; Arrhythmogenic cardiomyopathy; Arrhythmogenic Right Ventricular Cardiomyopathy (ARVC). Identifiers: Orphanet 247, MedGen C0349788, MeSH D019571, MONDO:0016587. Disease mechanism: loss of function. Inheritance: Various modes of inheritance.
Cardiovascular phenotype. Identifiers: MedGen CN230736.

Submissions (2):

Ambry Genetics
Classification: Uncertain significance for Cardiovascular phenotype. Last evaluated: 2024-09-02. Review status: criteria provided, single submitter. Criteria: Ambry Variant Classification Scheme 2023. Collection method: clinical testing. Allele origin: germline.
Comment: The p.M345V variant (also known as c.1033A>G), located in coding exon 9 of the DSG2 gene, results from an A to G substitution at nucleotide position 1033. The methionine at codon 345 is replaced by valine, an amino acid with highly similar properties. This amino acid position is conserved. In addition, this alteration is predicted to be tolerated by in silico analysis. Based on the available evidence, the clinical significance of this variant remains unclear.

All of Us Research Program, National Institutes of Health
Classification: Uncertain significance for Arrhythmogenic right ventricular cardiomyopathy. Last evaluated: 2023-08-15. Review status: criteria provided, single submitter. Criteria: ACMG Guidelines, 2015. Collection method: clinical testing. Allele origin: germline. Inheritance: Autosomal dominant inheritance. Observed: 1 variant allele, 1 heterozygote.
Comment: This missense variant replaces methionine with valine at codon 345 of the DSG2 protein. Computational prediction suggests that this variant may not impact protein structure and function (internally defined REVEL score threshold <= 0.5, PMID: 27666373). To our knowledge, functional studies have not been reported for this variant. This variant has not been reported in individuals affected with DSG2-related disorders in the literature. This variant has not been identified in the general population by the Genome Aggregation Database (gnomAD). The available evidence is insufficient to determine the role of this variant in disease conclusively. Therefore, this variant is classified as a Variant of Uncertain Significance.

This study involves interpretation of variants in research participants for the purpose of population health screening. Participant phenotype was not available at the time of variant classification. Additional details can be found in publication PMID: 35346344, PMCID: PMC8962531

NM_001943.5(DSG2):c.1033A>G (p.Met345Val)

Gene: DSG2 (desmoglein 2; plus strand). Cytogenetic location: 18q12.1.
Variant type: single nucleotide variant.
Coding change: c.1033A>G on transcript NM_001943.5 (MANE Select); coding-DNA position 1033, A replaced by G.
Protein change: p.Met345Val; replaces methionine 345 with valine.
Molecular consequence: missense variant.
Genome position (GRCh38, 1-based): chr18:31,531,005, A>G. VCF-style: chr18-31531005-A-G. GRCh37 (hg19) VCF-style: chr18-29110968-A-G.
Other names: short protein forms M345V.
Identifiers: ClinVar variation 3072668 (VCV003072668.2), dbSNP rs2510915254, ClinGen allele CA402137988.